The following is an entry in ClinVar:

ClinVar aggregate classification (germline): Likely pathogenic (1 of 4 stars; one submission).

Conditions:
Joubert syndrome. Also called: CEREBELLOPARENCHYMAL DISORDER IV; JOUBERT-BOLTSHAUSER SYNDROME; Familial aplasia of the vermis. Identifiers: Orphanet 475, MedGen C5979921, MONDO:0018772.
Meckel-Gruber syndrome. Also called: DYSENCEPHALIA SPLANCHNOCYSTICA; GRUBER SYNDROME; Dysencephalia splachnocystica. Identifiers: Orphanet 564, MedGen C0265215, MONDO:0018921.

gnomAD v4.1: 1 of 1,613,626 alleles (0.000062%); no homozygotes.

Submission:

Labcorp Genetics (formerly Invitae), Labcorp
Classification: Likely pathogenic for Joubert syndrome; Meckel-Gruber syndrome. Last evaluated: 2023-10-15. Review status: criteria provided, single submitter. Criteria: Invitae Variant Classification Sherloc (09022015). Collection method: clinical testing. Allele origin: germline.
Comment: This sequence change affects a donor splice site in intron 3 of the RPGRIP1L gene. It is expected to disrupt RNA splicing. Variants that disrupt the donor or acceptor splice site typically lead to a loss of protein function (PMID: 16199547), and loss-of-function variants in RPGRIP1L are known to be pathogenic (PMID: 17558409). This variant is present in population databases (no rsID available, gnomAD 0.004%). This variant has not been reported in the literature in individuals affected with RPGRIP1L-related conditions. ClinVar contains an entry for this variant (Variation ID: 2095768). Algorithms developed to predict the effect of sequence changes on RNA splicing suggest that this variant may disrupt the consensus splice site. In summary, the currently available evidence indicates that the variant is pathogenic, but additional data are needed to prove that conclusively. Therefore, this variant has been classified as Likely Pathogenic.

Literature cited by the submitters: PubMed 16199547; PubMed 17558409.

NM_015272.5(RPGRIP1L):c.230+1G>T

Gene: RPGRIP1L (RPGRIP1 like; minus strand). Cytogenetic location: 16q12.2.
Variant type: single nucleotide variant.
Coding change: c.230+1G>T on transcript NM_015272.5 (MANE Select); the canonical splice donor site of the intron after coding-DNA position 230, G replaced by T.
Molecular consequence: splice donor variant. On other transcripts: missense variant (1).
Genome position (GRCh38, 1-based): chr16:53,696,150, C>A on the plus strand (G>T on the coding strand, the complement: RPGRIP1L is on the minus strand). VCF-style: chr16-53696150-C-A. GRCh37 (hg19) VCF-style: chr16-53730062-C-A.
Other names: c.231G>T, p.Arg77Ser (NM_001328423.2); c.230+1G>T (NM_001127897.4, NM_001330538.2, NM_001308334.3 and 1 more transcripts); short protein forms R77S.
Identifiers: ClinVar variation 2095768 (VCV002095768.4), dbSNP rs786204135, ClinGen allele CA395925687.